The following is an entry in ClinVar:

NM_004168.4(SDHA):c.338A>C (p.Asn113Thr)

Gene: SDHA (succinate dehydrogenase complex flavoprotein subunit A; plus strand). Cytogenetic location: 5p15.33.
Variant type: single nucleotide variant.
Coding change: c.338A>C on transcript NM_004168.4 (MANE Select); coding-DNA position 338, A replaced by C.
Protein change: p.Asn113Thr; replaces asparagine 113 with threonine.
Molecular consequence: missense variant. On other transcripts: intron variant (1).
Genome position (GRCh38, 1-based): chr5:225,444, A>C. VCF-style: chr5-225444-A-C. GRCh37 (hg19) VCF-style: chr5-225559-A-C.
Other names: c.338A>C, p.Asn113Thr (NM_001330758.2); c.313-439A>C (NM_001294332.2); short protein forms N113T.
Identifiers: ClinVar variation 1356065 (VCV001356065.8), dbSNP rs1734955271, ClinGen allele CA359009230.

ClinVar aggregate classification (germline): Uncertain significance (1 of 4 stars; one submission).

Conditions:
Mitochondrial complex II deficiency, nuclear type 1. Also called: SUCCINATE CoQ REDUCTASE DEFICIENCY. Identifiers: Orphanet 3208, MedGen C5700310, MONDO:0100294, OMIM 252011.
Pheochromocytoma/paraganglioma syndrome 5. Also called: Paragangliomas 5; SDHA-Related Hereditary Paraganglioma-Pheochromocytoma Syndrome. Identifiers: Orphanet 29072, MedGen C3279992, MONDO:0013602, OMIM 614165.

Submission:

Labcorp Genetics (formerly Invitae), Labcorp
Classification: Uncertain significance for Pheochromocytoma/paraganglioma syndrome 5; Mitochondrial complex II deficiency, nuclear type 1. Last evaluated: 2021-05-25. Review status: criteria provided, single submitter. Criteria: Invitae Variant Classification Sherloc (09022015). Collection method: clinical testing. Allele origin: germline.
Comment: In summary, the available evidence is currently insufficient to determine the role of this variant in disease. Therefore, it has been classified as a Variant of Uncertain Significance. Advanced modeling of protein sequence and biophysical properties (such as structural, functional, and spatial information, amino acid conservation, physicochemical variation, residue mobility, and thermodynamic stability) performed at Invitae indicates that this missense variant is not expected to disrupt SDHA protein function. This variant has not been reported in the literature in individuals with SDHA-related conditions. This variant is not present in population databases (ExAC no frequency). This sequence change replaces asparagine with threonine at codon 113 of the SDHA protein (p.Asn113Thr). The asparagine residue is highly conserved and there is a small physicochemical difference between asparagine and threonine.